The following is an entry in ClinVar:

NM_001367561.1(DOCK7):c.3132_3133del (p.Ile1045fs)

Gene: DOCK7 (dedicator of cytokinesis 7; minus strand). Cytogenetic location: 1p31.3.
Variant type: Deletion.
Coding change: c.3132_3133del on transcript NM_001367561.1 (MANE Select); coding-DNA positions 3132 to 3133, 2 bases deleted (CA; older notation c.3132_3133delCA).
Protein change: p.Ile1045fs; shifts the reading frame from isoleucine 1045.
Molecular consequence: frameshift variant.
Genome position (GRCh38, 1-based): chr1:62,539,805-62,539,806, TG deleted on the plus strand (CA on the coding strand, the reverse complement: DOCK7 is on the minus strand); deleting any 2 consecutive bases within chr1:62,539,805-62,539,807 gives the same sequence; the c. name uses the placement nearest the transcript's 3' end. VCF-style (leftmost placement, unchanged base first): chr1-62539804-ATG-A. GRCh37 (hg19) VCF-style: chr1-63005475-ATG-A.
Other names: c.3132_3133del, p.Ile1045fs (NM_001271999.2, NM_001330614.2); c.3039_3040del, p.Ile1014fs (NM_001272000.2, NM_001272001.2, NM_033407.4); short protein forms I1014fs, I1045fs.
Identifiers: ClinVar variation 1687530 (VCV001687530.1), dbSNP rs2149393749, ClinGen allele CA2573132513.

ClinVar aggregate classification (germline): Pathogenic (1 of 4 stars; one submission).

Conditions:
Developmental and epileptic encephalopathy, 23 (DEE23). Also called: Epileptic encephalopathy, early infantile, 23. Identifiers: Orphanet 411986, MedGen C4014492, MONDO:0014371, OMIM 615859.

Submission:

3billion
Classification: Pathogenic for Developmental and epileptic encephalopathy, 23. Last evaluated: 2022-05-22. Review status: criteria provided, single submitter. Criteria: ACMG Guidelines, 2015. Collection method: clinical testing. Allele origin: germline. Affected: yes. Observed: 1 homozygote.
Comment: The variant is not observed in the gnomAD v2.1.1 dataset. Frameshift: predicted to result in a loss or disruption of normal protein function through nonsense-mediated decay (NMD) or protein truncation. Multiple pathogenic variants are reported downstream of the variant. Therefore, this variant is classified as pathogenic according to the recommendation of ACMG/AMP guideline.